The following is an entry in ClinVar:

ClinVar aggregate classification (germline): Uncertain significance (1 of 4 stars; one submission).

Conditions:
Hereditary cancer-predisposing syndrome. Also called: Neoplastic Syndromes, Hereditary; Tumor predisposition; Hereditary neoplastic syndrome; Hereditary Cancer Syndrome. Identifiers: Orphanet 140162, MedGen C0027672, MeSH D009386, MONDO:0015356.

gnomAD v4.1: 1 of 1,611,632 alleles (0.000062%); highest among the groups gnomAD compares: Non-Finnish European, 0.000085%; no homozygotes.

Submission:

Ambry Genetics
Classification: Uncertain significance for Hereditary cancer-predisposing syndrome. Last evaluated: 2014-10-21. Review status: criteria provided, single submitter. Criteria: Ambry Variant Classification Scheme 2023. Collection method: clinical testing. Allele origin: germline.
Comment: The c.8953+6T>C intronic alteration consists of a T to C substitution nucleotides after coding exon 21 in the BRCA2 gene. Based on insufficient or conflicting evidence, the clinical significance of this alteration remains unclear.

NM_000059.4(BRCA2):c.8953+6T>C

Gene: BRCA2 (BRCA2 DNA repair associated; plus strand). Cytogenetic location: 13q13.1.
Variant type: single nucleotide variant.
Coding change: c.8953+6T>C on transcript NM_000059.4 (MANE Select); 6 bases into the intron after coding-DNA position 8953, T replaced by C.
Molecular consequence: intron variant.
Genome position (GRCh38, 1-based): chr13:32,379,521, T>C. VCF-style: chr13-32379521-T-C. GRCh37 (hg19) VCF-style: chr13-32953658-T-C.
Other names: c.8953+6T>C (NM_001406720.1); c.8857+6T>C (NM_001406719.1); c.4021+6T>C (NM_001406721.1); c.2536+6T>C (NM_001406722.1).
Identifiers: ClinVar variation 3076204 (VCV003076204.1), dbSNP rs2137620854, ClinGen allele CA2622601800.